The following is an entry in ClinVar:

NM_001135146.2(SLC39A8):c.552+1G>A

Gene: SLC39A8 (solute carrier family 39 member 8; minus strand). Cytogenetic location: 4q24.
Variant type: single nucleotide variant.
Coding change: c.552+1G>A on transcript NM_001135146.2 (MANE Select); the canonical splice donor site of the intron after coding-DNA position 552, G replaced by A.
Molecular consequence: splice donor variant.
Genome position (GRCh38, 1-based): chr4:102,307,435, C>T on the plus strand (G>A on the coding strand, the complement: SLC39A8 is on the minus strand). VCF-style: chr4-102307435-C-T. GRCh37 (hg19) VCF-style: chr4-103228592-C-T.
Other names: c.552+1G>A (NM_001135147.1, NM_022154.5); c.351+1G>A (NM_001135148.2).
Identifiers: ClinVar variation 2081564 (VCV002081564.3), dbSNP rs1198160910, ClinGen allele CA357753677.
Genomic context (GRCh38, chr4:102,307,435, plus strand): 5'-AAAGTGCTAAAACGTTCAAAAGAAACAATTATTCACAGAAACAAATAGCCAACATCCTTA[C>T]CTCTGGAATAAGTTGGAAAATTGCATTTGAAAAAAGAGTCCCAATAGCCAGCCCCACAAA-3'

ClinVar aggregate classification (germline): Uncertain significance (1 of 4 stars; one submission).

Allele frequency attached by ClinVar (database versions not stated): TOPMed 0.00001.
gnomAD v4.1: 1 of 1,612,986 alleles (0.000062%); highest among the groups gnomAD compares: Admixed American, 0.0017%; no homozygotes.

Submission:

Labcorp Genetics (formerly Invitae), Labcorp
Classification: Uncertain significance. Last evaluated: 2022-11-08. Review status: criteria provided, single submitter. Criteria: Invitae Variant Classification Sherloc (09022015). Collection method: clinical testing. Allele origin: germline.
Comment: In summary, the available evidence is currently insufficient to determine the role of this variant in disease. Therefore, it has been classified as a Variant of Uncertain Significance. Algorithms developed to predict the effect of sequence changes on RNA splicing suggest that this variant may disrupt the consensus splice site. This variant has not been reported in the literature in individuals affected with SLC39A8-related conditions. This variant is present in population databases (no rsID available, gnomAD 0.003%). This sequence change affects a donor splice site in intron 3 of the SLC39A8 gene. It is expected to disrupt RNA splicing. Variants that disrupt the donor or acceptor splice site typically lead to a loss of protein function (PMID: 16199547), however the current clinical and genetic evidence is not sufficient to establish whether loss-of-function variants in SLC39A8 cause disease.

Literature cited by the submitters: PubMed 16199547.